The following is an entry in ClinVar:

NM_000483.5(APOC2):c.101C>T (p.Pro34Leu)

Genes: APOC4-APOC2 (APOC4-APOC2 readthrough (NMD candidate); plus strand), APOC2 (apolipoprotein C2; plus strand). Cytogenetic location: 19q13.32.
Variant type: single nucleotide variant.
Coding change: c.101C>T on transcript NM_000483.5 (MANE Select); coding-DNA position 101, C replaced by T.
Protein change: p.Pro34Leu; replaces proline 34 with leucine.
Molecular consequence: missense variant. On other transcripts: non-coding transcript variant (1).
Genome position (GRCh38, 1-based): chr19:44,948,746, C>T. VCF-style: chr19-44948746-C-T. GRCh37 (hg19) VCF-style: chr19-45452003-C-T.
Other names: short protein forms P34L.
Identifiers: ClinVar variation 1754953 (VCV001754953.3), dbSNP rs200404502, ClinGen allele CA9506604.

ClinVar aggregate classification (germline): Uncertain significance. Review status: criteria provided, multiple submitters, no conflicts (2 of 4 stars). 2 submissions from 2 submitters: Uncertain significance (2). Last evaluated 2024-04-16.

Conditions:
Cardiovascular phenotype. Identifiers: MedGen CN230736.
Familial apolipoprotein C-II deficiency. Also called: APOC2 DEFICIENCY; C-II ANAPOLIPOPROTEINEMIA; HYPERLIPOPROTEINEMIA, TYPE IB. Identifiers: Orphanet 309020, Orphanet 444490, MedGen C1720779, MONDO:0008810, OMIM 207750.

Allele frequency attached by ClinVar (database versions not stated): ExAC 0.00001; gnomAD exomes 0.00001; TOPMed 0.00002; gnomAD 0.00009; 1000 Genomes Project 0.00020; 1000 Genomes Project 30x 0.00031.
gnomAD v4.1: 22 of 1,614,164 alleles (0.0014%); highest among the groups gnomAD compares: Admixed American, 0.022%; no homozygotes.

Submissions (2):

Fulgent Genetics
Classification: Uncertain significance for Familial apolipoprotein C-II deficiency. Last evaluated: 2024-04-16. Review status: criteria provided, single submitter. Criteria: ACMG Guidelines, 2015. Collection method: clinical testing. Allele origin: germline.

Ambry Genetics
Classification: Uncertain significance for Cardiovascular phenotype. Last evaluated: 2021-11-19. Review status: criteria provided, single submitter. Criteria: Ambry Variant Classification Scheme 2023. Collection method: clinical testing. Allele origin: germline.
Comment: The p.P34L variant (also known as c.101C>T), located in coding exon 2 of the APOC2 gene, results from a C to T substitution at nucleotide position 101. The proline at codon 34 is replaced by leucine, an amino acid with similar properties. This amino acid position is conserved. In addition, this alteration is predicted to be tolerated by in silico analysis. Since supporting evidence is limited at this time, the clinical significance of this alteration remains unclear.